The following is an entry in ClinVar:

NM_001042681.2(RERE):c.284C>T (p.Thr95Ile)

Gene: RERE (arginine-glutamic acid dipeptide repeats; minus strand). Cytogenetic location: 1p36.23.
Variant type: single nucleotide variant.
Coding change: c.284C>T on transcript NM_001042681.2 (MANE Select); coding-DNA position 284, C replaced by T.
Protein change: p.Thr95Ile; replaces threonine 95 with isoleucine.
Molecular consequence: missense variant.
Genome position (GRCh38, 1-based): chr1:8,656,014, G>A on the plus strand (C>T on the coding strand, the complement: RERE is on the minus strand). VCF-style: chr1-8656014-G-A. GRCh37 (hg19) VCF-style: chr1-8716073-G-A.
Other names: c.284C>T, p.Thr95Ile (NM_012102.4); short protein forms T95I.
Identifiers: ClinVar variation 3363547 (VCV003363547.1).

ClinVar aggregate classification (germline): Uncertain significance (1 of 4 stars; one submission).

Submission:

GeneDx
Classification: Uncertain significance. Last evaluated: 2023-11-10. Review status: criteria provided, single submitter. Criteria: GeneDx Variant Classification Process June 2021. Collection method: clinical testing. Allele origin: germline. Affected: yes.
Comment: Not observed at significant frequency in large population cohorts (gnomAD); In silico analysis supports that this missense variant does not alter protein structure/function; Has not been previously published as pathogenic or benign to our knowledge